The following is an entry in ClinVar:

ClinVar aggregate classification (germline): Pathogenic (1 of 4 stars; one submission).

Submission:

Labcorp Genetics (formerly Invitae), Labcorp
Classification: Pathogenic. Last evaluated: 2022-11-01. Review status: criteria provided, single submitter. Criteria: Invitae Variant Classification Sherloc (09022015). Collection method: clinical testing. Allele origin: germline.
Comment: This sequence change creates a premature translational stop signal (p.Arg314Lysfs*30) in the CEP78 gene. It is expected to result in an absent or disrupted protein product. Loss-of-function variants in CEP78 are known to be pathogenic (PMID: 27588451, 27588452, 27627988). This variant is not present in population databases (gnomAD no frequency). This variant has not been reported in the literature in individuals affected with CEP78-related conditions. ClinVar contains an entry for this variant (Variation ID: 1420395). For these reasons, this variant has been classified as Pathogenic.

Literature cited by the submitters: PubMed 27588451; PubMed 27588452; PubMed 27627988.

NM_001330691.3(CEP78):c.919_940dup (p.Arg314fs)

Gene: CEP78 (centrosomal protein 78; plus strand). Cytogenetic location: 9q21.2.
Variant type: Duplication.
Coding change: c.919_940dup on transcript NM_001330691.3 (MANE Select); coding-DNA positions 919 to 940, 22 bases duplicated (AAAAAAGTCCTCCAGAATGGAA).
Protein change: p.Arg314fs; shifts the reading frame from arginine 314.
Molecular consequence: frameshift variant.
Genome position (GRCh38, 1-based): chr9:78,248,317-78,248,338, AAAAAAGTCCTCCAGAATGGAA duplicated. VCF-style (leftmost placement, unchanged base first): chr9-78248316-C-CAAAAAAGTCCTCCAGAATGGAA. GRCh37 (hg19) VCF-style: chr9-80863232-C-CAAAAAAGTCCTCCAGAATGGAA.
Other names: c.919_940dup, p.Arg314fs (NM_001098802.3, NM_001330693.3, NM_001330694.2 and 4 more transcripts); short protein forms R314fs.
Identifiers: ClinVar variation 1420395 (VCV001420395.6), dbSNP rs2118243943, ClinGen allele CA2573144739.